The following is an entry in ClinVar:

ClinVar aggregate classification (germline): Likely pathogenic (1 of 4 stars; one submission).

Allele frequency attached by ClinVar (database versions not stated): TOPMed below 0.00001; gnomAD 0.00001.
gnomAD v4.1: 1 of 1,600,524 alleles (0.000062%); highest among the groups gnomAD compares: African/African-American, 0.0013%; no homozygotes.

Submission:

Labcorp Genetics (formerly Invitae), Labcorp
Classification: Likely pathogenic. Last evaluated: 2024-04-05. Review status: criteria provided, single submitter. Criteria: Invitae Variant Classification Sherloc (09022015). Collection method: clinical testing. Allele origin: germline.
Comment: This sequence change affects an acceptor splice site in intron 1 of the PNPT1 gene. It is expected to disrupt RNA splicing. Variants that disrupt the donor or acceptor splice site typically lead to a loss of protein function (PMID: 16199547), and loss-of-function variants in PNPT1 are known to be pathogenic (PMID: 28594066, 30244537). This variant is not present in population databases (gnomAD no frequency). This variant has not been reported in the literature in individuals affected with PNPT1-related conditions. ClinVar contains an entry for this variant (Variation ID: 1519253). Algorithms developed to predict the effect of sequence changes on RNA splicing suggest that this variant may disrupt the consensus splice site. In summary, the currently available evidence indicates that the variant is pathogenic, but additional data are needed to prove that conclusively. Therefore, this variant has been classified as Likely Pathogenic.

Literature cited by the submitters: PubMed 16199547; PubMed 28594066; PubMed 30244537.

NM_033109.5(PNPT1):c.162-1G>A

Gene: PNPT1 (polyribonucleotide nucleotidyltransferase 1; minus strand). Cytogenetic location: 2p16.1.
Variant type: single nucleotide variant.
Coding change: c.162-1G>A on transcript NM_033109.5 (MANE Select); the canonical splice acceptor site of the intron before coding-DNA position 162, G replaced by A.
Molecular consequence: splice acceptor variant.
Genome position (GRCh38, 1-based): chr2:55,687,706, C>T on the plus strand (G>A on the coding strand, the complement: PNPT1 is on the minus strand). VCF-style: chr2-55687706-C-T. GRCh37 (hg19) VCF-style: chr2-55914841-C-T.
Identifiers: ClinVar variation 1519253 (VCV001519253.6), dbSNP rs1243776150, ClinGen allele CA346943304.